The following is an entry in ClinVar:

NM_001379403.1(WDR26):c.1719T>C (p.Cys573=)

Gene: WDR26 (WD repeat domain 26; minus strand). Cytogenetic location: 1q42.12.
Variant type: single nucleotide variant.
Coding change: c.1719T>C on transcript NM_001379403.1 (MANE Select); coding-DNA position 1719, T replaced by C.
Protein change: p.Cys573=; no amino-acid change (cysteine 573 retained).
Molecular consequence: synonymous variant.
Genome position (GRCh38, 1-based): chr1:224,400,950, A>G on the plus strand (T>C on the coding strand, the complement: WDR26 is on the minus strand). VCF-style: chr1-224400950-A-G. GRCh37 (hg19) VCF-style: chr1-224588652-A-G.
Other names: c.1371T>C, p.Cys457= (NM_001115113.3); c.1419T>C, p.Cys473= (NM_025160.7).
Identifiers: ClinVar variation 4881676 (VCV004881676.2).
Genomic context (GRCh38, chr1:224,400,950, plus strand): 5'-AACAAAAGTACATTTGCTTTTAAACCAACAGATACTGGGAAGGGGGCACTGAATACTTAC[A>G]CACTGATAGAACTGCCCACGCTGACCTCCAGTCACAAAGCGCTTCCCATCTGGATTCCAA-3'
Protein context (NP_001366332.1, residues 563-583): TGGQRGQFYQ[Cys573=]DLDGNLLDSW

ClinVar aggregate classification (germline): Uncertain significance (1 of 4 stars; one submission).

Submission:

Dasa
Classification: Uncertain significance. Last evaluated: 2024-09-10. Review status: criteria provided, single submitter. Criteria: DASA Assertion Criteria. Collection method: clinical testing. Allele origin: germline.
Comment: NM_001379403.1(WDR26):c.1719T>C (p.Cys573=) is a synonymous variant predicted not to alter the encoded amino acid sequence. This variant is absent from population databases. Computational prediction algorithms are consistent with a deleterious effect. The currently available literature and clinical evidence are not sufficient to establish a definitive association between this variant and the reported condition. Therefore, this variant is classified as a variant of uncertain significance.